The following is an entry in ClinVar:

ClinVar aggregate classification (germline): Likely benign (0 of 4 stars; one submission).

Conditions:
OR4P4-related disorder. Also called: OR4P4-related condition.

Allele frequency attached by ClinVar (database versions not stated): gnomAD exomes 0.00006; ExAC 0.00020; ESP Exome Variant Server 0.00032; gnomAD 0.00057; 1000 Genomes Project 30x 0.00156; 1000 Genomes Project 0.00160.
gnomAD v4.1: 175 of 1,491,664 alleles (0.012%); highest among the groups gnomAD compares: African/African-American, 0.19%; 27 homozygotes.

Submission:

PreventionGenetics, part of Exact Sciences
Classification: Likely benign for OR4P4-related condition. Last evaluated: 2023-02-27. Review status: no assertion criteria provided. Collection method: clinical testing. Allele origin: germline.
Comment: This variant is classified as likely benign based on ACMG/AMP sequence variant interpretation guidelines (Richards et al. 2015 PMID: 25741868, with internal and published modifications).

NM_001405919.1(OR4P4):c.324A>G (p.Ile108Met)

Gene: OR4P4 (olfactory receptor family 4 subfamily P member 4; plus strand). Cytogenetic location: 11q11.
Variant type: single nucleotide variant.
Coding change: c.324A>G on transcript NM_001405919.1 (MANE Select); coding-DNA position 324, A replaced by G.
Protein change: p.Ile108Met; replaces isoleucine 108 with methionine.
Molecular consequence: missense variant.
Genome position (GRCh38, 1-based): chr11:55,638,681, A>G. VCF-style: chr11-55638681-A-G. GRCh37 (hg19) VCF-style: chr11-55406157-A-G.
Other names: c.324A>G, p.Ile108Met (NM_001004124.2); short protein forms I108M.
Identifiers: ClinVar variation 3053908 (VCV003053908.2), dbSNP rs139938503, ClinGen allele CA5991538.